The following is an entry in ClinVar:

ClinVar aggregate classification (germline): Pathogenic/Likely pathogenic. Review status: criteria provided, multiple submitters, no conflicts (2 of 4 stars). 4 submissions from 4 submitters: Pathogenic (2); Likely pathogenic (1). 1 of the submissions does not count toward it. Last evaluated 2025-05-05.

Conditions:
Cohen syndrome (COH1). Also called: Cutis verticis gyrata, retinitis pigmentosa, and sensorineural deafness; PEPPER SYNDROME. Identifiers: Orphanet 193, MedGen C0265223, MONDO:0008999, OMIM 216550.
Inborn genetic diseases. Identifiers: MedGen C0950123, MeSH D030342.

Allele frequency attached by ClinVar (database versions not stated): gnomAD exomes below 0.00001; gnomAD 0.00001; TOPMed 0.00001.
gnomAD v4.1: 1 of 1,613,648 alleles (0.000062%); highest among the groups gnomAD compares: African/African-American, 0.0013%; no homozygotes.

Submissions (4):

Labcorp Genetics (formerly Invitae), Labcorp
Classification: Pathogenic for Cohen syndrome. Last evaluated: 2025-05-05. Review status: criteria provided, single submitter. Criteria: Invitae Variant Classification Sherloc (09022015). Collection method: clinical testing. Allele origin: germline.
Comment: This sequence change creates a premature translational stop signal (p.Trp1328*) in the VPS13B gene. It is expected to result in an absent or disrupted protein product. Loss-of-function variants in VPS13B are known to be pathogenic (PMID: 15141358, 16648375, 20461111). This variant is present in population databases (no rsID available, gnomAD 0.007%). This variant has not been reported in the literature in individuals affected with VPS13B-related conditions. ClinVar contains an entry for this variant (Variation ID: 963996). For these reasons, this variant has been classified as Pathogenic.

Ambry Genetics
Classification: Pathogenic for Inborn genetic diseases. Last evaluated: 2022-09-15. Review status: criteria provided, single submitter. Criteria: Ambry Variant Classification Scheme 2023. Collection method: clinical testing. Allele origin: germline.
Comment: The c.3984G>A (p.W1328*) alteration, located in exon 26 (coding exon 25) of the VPS13B gene, consists of a G to A substitution at nucleotide position 3984. This changes the amino acid from a tryptophan (W) to a stop codon at amino acid position 1328. This alteration is expected to result in loss of function by premature protein truncation or nonsense-mediated mRNA decay. Based on the available evidence, this alteration is classified as pathogenic.

GeneDx
Classification: Likely pathogenic. Last evaluated: 2022-09-01. Review status: criteria provided, single submitter. Criteria: GeneDx Variant Classification Process June 2021. Collection method: clinical testing. Allele origin: germline. Affected: yes.
Comment: Nonsense variant predicted to result in protein truncation or nonsense mediated decay in a gene for which loss of function is a known mechanism of disease; Not observed at significant frequency in large population cohorts (gnomAD); Has not been previously published as pathogenic or benign to our knowledge

Pediatric Genetics Clinic, Sheba Medical Center
Classification: Pathogenic for Cohen syndrome. Last evaluated: 2021-05-13. Review status: no assertion criteria provided. Collection method: clinical testing. Allele origin: inherited. Affected: yes. Observed: 1 compound heterozygote. Not counted in ClinVar's aggregate classification.

Literature cited by the submitters: PubMed 15141358 (cited by Labcorp Genetics (formerly Invitae), Labcorp); PubMed 16648375 (cited by Labcorp Genetics (formerly Invitae), Labcorp); PubMed 20461111 (cited by Labcorp Genetics (formerly Invitae), Labcorp).

NM_152564.5(VPS13B):c.3984G>A (p.Trp1328Ter)

Gene: VPS13B (vacuolar protein sorting 13 homolog B; plus strand). Cytogenetic location: 8q22.2.
Variant type: single nucleotide variant.
Coding change: c.3984G>A on transcript NM_152564.5 (MANE Select); coding-DNA position 3984, G replaced by A.
Protein change: p.Trp1328Ter; replaces tryptophan 1328 with a stop codon.
Molecular consequence: nonsense.
Genome position (GRCh38, 1-based): chr8:99,501,800, G>A. VCF-style: chr8-99501800-G-A. GRCh37 (hg19) VCF-style: chr8-100514028-G-A.
Other names: c.3984G>A (NM_017890.3); c.3984G>A, p.Trp1328Ter (NM_017890.5); short protein forms W1328*.
Identifiers: ClinVar variation 963996 (VCV000963996.12), dbSNP rs1156390688, ClinGen allele CA371869610.